The following is an entry in ClinVar:

ClinVar aggregate classification (germline): Uncertain significance (1 of 4 stars; one submission).

Conditions:
Leigh syndrome (NULS). Also called: Leigh's necrotizing encephalopathy; Leigh's disease; Leigh Syndrome (mtDNA deletion); Leigh Disease; Subacute necrotizing encephalopathy; Necrotizing encephalopathy infantile subacute of Leigh. Identifiers: Orphanet 506, MedGen C2931891, MONDO:0009723, OMIM 256000.

Submission:

Wong Mito Lab, Molecular and Human Genetics, Baylor College of Medicine
Classification: Uncertain significance for Leigh syndrome. Last evaluated: 2019-10-17. Review status: criteria provided, single submitter. Criteria: Modified ACMG Guidelines (Unpublished). Collection method: clinical testing. Allele origin: germline.
Comment: The NC_012920.1:m.7357T>C (YP_003024028.1:p.Val485Ala) variant in MTCO1 gene is interpretated to be a Uncertain Significance variant based on the modified ACMG guidelines (unpublished). This variant meets the following evidence codes: PP7, BP4

NC_012920.1(MT-CO1):m.7357T>C

Gene: MT-CO1 (mitochondrially encoded cytochrome c oxidase I; plus strand).
Variant type: single nucleotide variant.
Genome position: chrM-7357-T-C.
Identifiers: ClinVar variation 692736 (VCV000692736.1), dbSNP rs1603220914, ClinGen allele CA414792548.